The following is an entry in ClinVar:

ClinVar aggregate classification (germline): Likely benign (1 of 4 stars; one submission).

Allele frequency attached by ClinVar (database versions not stated): ExAC 0.00001; gnomAD 0.00001; TOPMed 0.00002; gnomAD exomes 0.00004.

Submission:

CeGaT Center for Human Genetics Tuebingen
Classification: Likely benign. Last evaluated: 2023-03-01. Review status: criteria provided, single submitter. Criteria: CeGaT Center For Human Genetics Tuebingen Variant Classification Criteria Version 2. Collection method: clinical testing. Allele origin: germline. Affected: yes. Observed: 1 variant allele.
Comment: CARS1: BP4, BP7

NM_001014437.3(CARS1):c.1590C>T (p.Asn530=)

Gene: CARS1 (cysteinyl-tRNA synthetase 1; minus strand). Cytogenetic location: 11p15.4.
Variant type: single nucleotide variant.
Coding change: c.1590C>T on transcript NM_001014437.3 (MANE Select); coding-DNA position 1590, C replaced by T.
Protein change: p.Asn530=; no amino-acid change (asparagine 530 retained).
Molecular consequence: synonymous variant. On other transcripts: non-coding transcript variant (4).
Genome position (GRCh38, 1-based): chr11:3,018,447, G>A on the plus strand (C>T on the coding strand, the complement: CARS1 is on the minus strand). VCF-style: chr11-3018447-G-A. GRCh37 (hg19) VCF-style: chr11-3039677-G-A.
Other names: c.1590C>T, p.Asn530= (NM_001194997.2); c.1380C>T, p.Asn460= (NM_001378136.1); c.1311C>T, p.Asn437= (NM_001378137.1, NM_001378138.1, NM_001378139.1); c.1065C>T, p.Asn355= (NM_001378140.1); c.1341C>T, p.Asn447= (NM_001751.6, NM_139273.4).
Identifiers: ClinVar variation 2498503 (VCV002498503.28), dbSNP rs768147476, ClinGen allele CA5823952.
Genomic context (GRCh38, chr11:3,018,447, plus strand): 5'-AGGAAGGGGCTGGGGACTCACATTCAAGAACTTCTCATATTGAAGCGCTGACTCCATGGT[G>A]TTGCTGGAGTAGTCCAGGGTGTCCTTCCACGAGTGCATGAGGAAGGCCAGCCGCAACTGC-3'
Protein context (NP_001014437.1, residues 520-540): SWKDTLDYSS[Asn530=]TMESALQYEK